The following is an entry in ClinVar:

NM_001122681.2(SH3BP2):c.619C>T (p.Pro207Ser)

Gene: SH3BP2 (SH3 domain binding protein 2; plus strand). Cytogenetic location: 4p16.3.
Variant type: single nucleotide variant.
Coding change: c.619C>T on transcript NM_001122681.2 (MANE Select); coding-DNA position 619, C replaced by T.
Protein change: p.Pro207Ser; replaces proline 207 with serine.
Molecular consequence: missense variant.
Genome position (GRCh38, 1-based): chr4:2,829,525, C>T. VCF-style: chr4-2829525-C-T. GRCh37 (hg19) VCF-style: chr4-2831252-C-T.
Other names: c.703C>T, p.Pro235Ser (NM_001145855.2); c.790C>T, p.Pro264Ser (NM_001145856.2); c.619C>T, p.Pro207Ser (NM_003023.4); short protein forms P235S, P264S, P207S.
Identifiers: ClinVar variation 2792625 (VCV002792625.3), dbSNP rs2530347992, ClinGen allele CA356055564.

ClinVar aggregate classification (germline): Uncertain significance (1 of 4 stars; one submission).

Conditions:
Fibrous dysplasia of jaw (CRBM). Also called: Cherubism. Identifiers: Orphanet 184, MedGen C0008029, MONDO:0007315, OMIM 118400.

gnomAD v4.1: 3 of 1,613,590 alleles (0.00019%); highest among the groups gnomAD compares: Non-Finnish European, 0.00025%; no homozygotes.

Submission:

Labcorp Genetics (formerly Invitae), Labcorp
Classification: Uncertain significance for Fibrous dysplasia of jaw. Last evaluated: 2022-11-29. Review status: criteria provided, single submitter. Criteria: Invitae Variant Classification Sherloc (09022015). Collection method: clinical testing. Allele origin: germline.
Comment: In summary, the available evidence is currently insufficient to determine the role of this variant in disease. Therefore, it has been classified as a Variant of Uncertain Significance. This sequence change replaces proline, which is neutral and non-polar, with serine, which is neutral and polar, at codon 207 of the SH3BP2 protein (p.Pro207Ser). This variant is not present in population databases (gnomAD no frequency). This variant has not been reported in the literature in individuals affected with SH3BP2-related conditions. Advanced modeling of protein sequence and biophysical properties (such as structural, functional, and spatial information, amino acid conservation, physicochemical variation, residue mobility, and thermodynamic stability) performed at Invitae indicates that this missense variant is not expected to disrupt SH3BP2 protein function.